The following is an entry in ClinVar:

ClinVar aggregate classification (germline): Uncertain significance. Review status: criteria provided, multiple submitters, no conflicts (2 of 4 stars). 2 submissions from 2 submitters: Uncertain significance (2). Last evaluated 2025-08-31.

Allele frequency attached by ClinVar (database versions not stated): ESP Exome Variant Server 0.00008; TOPMed 0.00006; gnomAD exomes 0.00001.
gnomAD v4.1: 16 of 1,613,726 alleles (0.00099%); highest among the groups gnomAD compares: African/African-American, 0.015%; no homozygotes.

Submissions (2):

Ambry Genetics
Classification: Uncertain significance. Last evaluated: 2025-08-31. Review status: criteria provided, single submitter. Criteria: Ambry Variant Classification Scheme 2023. Collection method: clinical testing. Allele origin: germline.

Labcorp Genetics (formerly Invitae), Labcorp
Classification: Uncertain significance. Last evaluated: 2025-04-18. Review status: criteria provided, single submitter. Criteria: Invitae Variant Classification Sherloc (09022015). Collection method: clinical testing. Allele origin: germline.
Comment: This sequence change replaces isoleucine, which is neutral and non-polar, with threonine, which is neutral and polar, at codon 480 of the DHX32 protein (p.Ile480Thr). This variant is present in population databases (rs137998421, gnomAD 0.03%). This variant has not been reported in the literature in individuals affected with DHX32-related conditions. ClinVar contains an entry for this variant (Variation ID: 1953077). An algorithm developed to predict the effect of missense changes on protein structure and function (PolyPhen-2) suggests that this variant is likely to be disruptive. In summary, the available evidence is currently insufficient to determine the role of this variant in disease. Therefore, it has been classified as a Variant of Uncertain Significance.

NM_018180.3(DHX32):c.1439T>C (p.Ile480Thr)

Genes: DHX32 (DEAH-box helicase 32 (putative); minus strand), BCCIP (BRCA2 and CDKN1A interacting protein; plus strand). Cytogenetic location: 10q26.2.
Variant type: single nucleotide variant.
Coding change: c.1439T>C on transcript NM_018180.3 (MANE Select); coding-DNA position 1439, T replaced by C.
Protein change: p.Ile480Thr; replaces isoleucine 480 with threonine.
Molecular consequence: missense variant. On other transcripts: 3 prime UTR variant (1), intron variant (1).
Genome position (GRCh38, 1-based): chr10:125,841,847, A>G on the plus strand (T>C on the coding strand, the complement: DHX32 is on the minus strand). VCF-style: chr10-125841847-A-G. GRCh37 (hg19) VCF-style: chr10-127530416-A-G.
Other names: c.*488A>G (NM_078469.3); c.850+517A>G (NM_016567.4); short protein forms I480T.
Identifiers: ClinVar variation 1953077 (VCV001953077.5), dbSNP rs137998421, ClinGen allele CA5739180.